The following is an entry in ClinVar:

ClinVar aggregate classification (germline): Uncertain significance (1 of 4 stars; one submission).

Submission:

Labcorp Genetics (formerly Invitae), Labcorp
Classification: Uncertain significance. Last evaluated: 2025-07-21. Review status: criteria provided, single submitter. Criteria: Invitae Variant Classification Sherloc (09022015). Collection method: clinical testing. Allele origin: germline.
Comment: This sequence change replaces glycine, which is neutral and non-polar, with valine, which is neutral and non-polar, at codon 289 of the GPR101 protein (p.Gly289Val). This variant is present in population databases (no rsID available, gnomAD 0.004%), including at least one homozygous and/or hemizygous individual. This variant has not been reported in the literature in individuals affected with GPR101-related conditions. An algorithm developed to predict the effect of missense changes on protein structure and function (PolyPhen-2) suggests that this variant is likely to be disruptive. In summary, the available evidence is currently insufficient to determine the role of this variant in disease. Therefore, it has been classified as a Variant of Uncertain Significance.

NM_054021.2(GPR101):c.866G>T (p.Gly289Val)

Gene: GPR101 (G protein-coupled receptor 101; minus strand). Cytogenetic location: Xq26.3.
Variant type: single nucleotide variant.
Coding change: c.866G>T on transcript NM_054021.2 (MANE Select); coding-DNA position 866, G replaced by T.
Protein change: p.Gly289Val; replaces glycine 289 with valine.
Molecular consequence: missense variant.
Genome position (GRCh38, 1-based): chrX:137,030,809, C>A on the plus strand (G>T on the coding strand, the complement: GPR101 is on the minus strand). VCF-style: chrX-137030809-C-A. GRCh37 (hg19) VCF-style: chrX-136112968-C-A.
Other names: short protein forms G289V.
Identifiers: ClinVar variation 4702864 (VCV004702864.1).